The following is an entry in ClinVar:

NM_000258.3(MYL3):c.-15T>A

Gene: MYL3 (myosin light chain 3; minus strand). Cytogenetic location: 3p21.31.
Variant type: single nucleotide variant.
Coding change: c.-15T>A on transcript NM_000258.3 (MANE Select); 15 bases upstream of the start codon, T replaced by A.
Molecular consequence: 5 prime UTR variant.
Genome position (GRCh38, 1-based): chr3:46,863,405, A>T on the plus strand (T>A on the coding strand, the complement: MYL3 is on the minus strand). VCF-style: chr3-46863405-A-T. GRCh37 (hg19) VCF-style: chr3-46904895-A-T.
Other names: c.-15T>A (NM_001406937.1).
Identifiers: ClinVar variation 1705048 (VCV001705048.3), dbSNP rs370969543, ClinGen allele CA73782142.

ClinVar aggregate classification (germline): Uncertain significance. Review status: criteria provided, multiple submitters, no conflicts (2 of 4 stars). 2 submissions from 2 submitters: Uncertain significance (2). Last evaluated 2023-09-12.

Conditions:
Cardiomyopathy (CMYO). Also called: Cardiomyopathies. Identifiers: Orphanet 167848, MedGen C0878544, MONDO:0004994, HP:0001638. Inheritance: Various modes of inheritance.

Allele frequency attached by ClinVar (database versions not stated): ESP Exome Variant Server 0.00008.

Submissions (2):

Color Diagnostics, LLC DBA Color Health
Classification: Uncertain significance for Cardiomyopathy. Last evaluated: 2023-09-12. Review status: criteria provided, single submitter. Criteria: ACMG Guidelines, 2015. Collection method: clinical testing. Allele origin: germline.
Comment: This variant is located in the 5' untranslated region of the MYL3 gene. To our knowledge, functional studies have not been reported for this variant. This variant has not been reported in individuals affected with MYL3-related disorders in the literature. This variant has been identified in 2/250048 chromosomes in the general population by the Genome Aggregation Database (gnomAD). The available evidence is insufficient to determine the role of this variant in disease conclusively. Therefore, this variant is classified as a Variant of Uncertain Significance.

Women's Health and Genetics/Laboratory Corporation of America, LabCorp
Classification: Uncertain significance. Last evaluated: 2022-08-06. Review status: criteria provided, single submitter. Criteria: LabCorp Variant Classification Summary - May 2015. Collection method: clinical testing. Allele origin: germline.